The following is an entry in ClinVar:

NM_000434.4(NEU1):c.632G>A (p.Arg211Gln)

Gene: NEU1 (neuraminidase 1; minus strand). Cytogenetic location: 6p21.33.
Variant type: single nucleotide variant.
Coding change: c.632G>A on transcript NM_000434.4 (MANE Select); coding-DNA position 632, G replaced by A.
Protein change: p.Arg211Gln; replaces arginine 211 with glutamine.
Molecular consequence: missense variant.
Genome position (GRCh38, 1-based): chr6:31,860,605, C>T on the plus strand (G>A on the coding strand, the complement: NEU1 is on the minus strand). VCF-style: chr6-31860605-C-T. GRCh37 (hg19) VCF-style: chr6-31828382-C-T.
Other names: c.632G>A (NM_000434.3); short protein forms R211Q.
Identifiers: ClinVar variation 2143559 (VCV002143559.2), dbSNP rs773256249, ClinGen allele CA136926247.
Genomic context (GRCh38, chr6:31,860,605, plus strand): 5'-AGACAGAAGACTCCGTCCCGCTCCAGCGTCCCATGGCCACACACGATGAGGCGGCCCTTC[C>T]GTGGCTCCCGCTGTTTCTGTGGGAAAGGGAACTGGGTGTCACAGAAGGAGACTCTAGGGG-3'
Protein context (NP_000425.1, residues 201-221): GSGIQKQREP[Arg211Gln]KGRLIVCGHG

ClinVar aggregate classification (germline): Conflicting classifications of pathogenicity. Review status: criteria provided, conflicting classifications (1 of 4 stars). 2 submissions from 2 submitters: Uncertain significance (1); Likely benign (1). Last evaluated 2022-12-14.

Conditions:
Inborn genetic diseases. Identifiers: MedGen C0950123, MeSH D030342.

Allele frequency attached by ClinVar (database versions not stated): gnomAD 0.00001; TOPMed 0.00002; gnomAD exomes 0.00006.

Submissions (2):

Ambry Genetics
Classification: Likely benign for Inborn genetic diseases. Last evaluated: 2022-12-14. Review status: criteria provided, single submitter. Criteria: Ambry Variant Classification Scheme 2023. Collection method: clinical testing. Allele origin: germline.

Labcorp Genetics (formerly Invitae), Labcorp
Classification: Uncertain significance. Last evaluated: 2022-05-17. Review status: criteria provided, single submitter. Criteria: Invitae Variant Classification Sherloc (09022015). Collection method: clinical testing. Allele origin: germline.
Comment: This sequence change replaces arginine, which is basic and polar, with glutamine, which is neutral and polar, at codon 211 of the NEU1 protein (p.Arg211Gln). This variant is present in population databases (rs773256249, gnomAD 0.0009%). This variant has not been reported in the literature in individuals affected with NEU1-related conditions. Algorithms developed to predict the effect of missense changes on protein structure and function output the following: SIFT: "Tolerated"; PolyPhen-2: "Benign"; Align-GVGD: "Class C0". The glutamine amino acid residue is found in multiple mammalian species, which suggests that this missense change does not adversely affect protein function. In summary, the available evidence is currently insufficient to determine the role of this variant in disease. Therefore, it has been classified as a Variant of Uncertain Significance.